The following is an entry in ClinVar:

ClinVar aggregate classification (germline): Uncertain significance (1 of 4 stars; one submission).

gnomAD v4.1: 2 of 1,613,500 alleles (0.00012%); highest among the groups gnomAD compares: South Asian, 0.0011%; no homozygotes.

Submission:

GeneDx
Classification: Uncertain significance. Last evaluated: 2026-02-10. Review status: criteria provided, single submitter. Criteria: GeneDx Variant Classification Process June 2021. Collection method: clinical testing. Allele origin: germline.
Comment: Not observed at significant frequency in large population cohorts (gnomAD); In silico analysis suggests that this missense variant does not alter protein structure/function; Has not been previously published as pathogenic or benign to our knowledge

NM_173689.7(CRB2):c.1418C>T (p.Thr473Ile)

Gene: CRB2 (crumbs cell polarity complex component 2; plus strand). Cytogenetic location: 9q33.3.
Variant type: single nucleotide variant.
Coding change: c.1418C>T on transcript NM_173689.7 (MANE Select); coding-DNA position 1418, C replaced by T.
Protein change: p.Thr473Ile; replaces threonine 473 with isoleucine.
Molecular consequence: missense variant. On other transcripts: non-coding transcript variant (1).
Genome position (GRCh38, 1-based): chr9:123,370,471, C>T. VCF-style: chr9-123370471-C-T. GRCh37 (hg19) VCF-style: chr9-126132750-C-T.
Other names: short protein forms T473I.
Identifiers: ClinVar variation 4976034 (VCV004976034.1).
Genomic context (GRCh38, chr9:123,370,471, plus strand): 5'-TGCCAGCTGGTGGCCCCCTGGGTCTGGCACTGAGGTTTCGCACCACACTGCCCGCTGGGA[C>T]CTTGGCCACTCGCAATGACACCAAGGAAAGCTTGGAGCTGGCATTGGTGGCAGCCACACT-3'
Protein context (NP_775960.4, residues 463-483): LRFRTTLPAG[Thr473Ile]LATRNDTKES